The following is an entry in ClinVar:

ClinVar aggregate classification (germline): Conflicting classifications of pathogenicity. Review status: criteria provided, conflicting classifications (1 of 4 stars). 4 submissions from 4 submitters: Uncertain significance (1); Benign (1); Likely benign (2). Last evaluated 2025-12-28.

Conditions:
Tuberous sclerosis 2 (TSC2). Identifiers: Orphanet 805, MedGen C1860707, MONDO:0013199, OMIM 613254.
Hereditary cancer-predisposing syndrome. Also called: Hereditary Cancer Syndrome; Tumor predisposition; Neoplastic Syndromes, Hereditary; Hereditary neoplastic syndrome. Identifiers: Orphanet 140162, MedGen C0027672, MeSH D009386, MONDO:0015356.
Tuberous sclerosis syndrome (TSC). Also called: Tuberous Sclerosis Complex; Tuberous sclerosis. Identifiers: Orphanet 805, MedGen C0041341, MONDO:0001734.

Allele frequency attached by ClinVar (database versions not stated): gnomAD 0.00001; gnomAD exomes 0.00001; TOPMed 0.00001.
gnomAD v4.1: 15 of 1,612,866 alleles (0.00093%); highest among the groups gnomAD compares: Non-Finnish European, 0.0013%; no homozygotes.

Submissions (4):

Labcorp Genetics (formerly Invitae), Labcorp
Classification: Likely benign for Tuberous sclerosis 2. Last evaluated: 2025-12-28. Review status: criteria provided, single submitter. Criteria: Invitae Variant Classification Sherloc (09022015). Collection method: clinical testing. Allele origin: germline.

Myriad Genetics, Inc.
Classification: Benign for Tuberous sclerosis 2. Last evaluated: 2025-05-30. Review status: criteria provided, single submitter. Criteria: Myriad Autosomal Dominant, Autosomal Recessive and X-Linked Classification Criteria (2023). Collection method: clinical testing. Allele origin: unknown.
Comment: This variant is considered benign. This variant is a silent/synonymous amino acid change and it is not expected to impact splicing.

Ambry Genetics
Classification: Uncertain significance for Hereditary cancer-predisposing syndrome. Last evaluated: 2024-02-13. Review status: criteria provided, single submitter. Criteria: Ambry Variant Classification Scheme 2023. Collection method: clinical testing. Allele origin: germline.
Comment: The c.3682C>T variant (also known as p.L1228L), located in coding exon 30 of the TSC2 gene, results from a C to T substitution at nucleotide position 3682. This nucleotide substitution does not change the leucine amino acid at codon 1228. This nucleotide position is highly conserved in available vertebrate species. In silico splice site analysis for this alteration is inconclusive; and direct evidence is insufficient (Ambry internal data). Based on the available evidence, the clinical significance of this alteration remains unclear.

All of Us Research Program, National Institutes of Health
Classification: Likely benign for Tuberous sclerosis syndrome. Last evaluated: 2023-12-13. Review status: criteria provided, single submitter. Criteria: ACMG Guidelines, 2015. Collection method: clinical testing. Allele origin: germline. Inheritance: Autosomal dominant inheritance. Observed: 1 variant allele, 1 heterozygote.
Comment: This study involves interpretation of variants in research participants for the purpose of population health screening. Participant phenotype was not available at the time of variant classification. Additional details can be found in publication PMID: 35346344, PMCID: PMC8962531

NM_000548.5(TSC2):c.3682C>T (p.Leu1228=)

Gene: TSC2 (TSC complex subunit 2; plus strand). Cytogenetic location: 16p13.3.
Variant type: single nucleotide variant.
Coding change: c.3682C>T on transcript NM_000548.5 (MANE Select); coding-DNA position 3682, C replaced by T.
Protein change: p.Leu1228=; no amino-acid change (leucine 1228 retained).
Molecular consequence: synonymous variant.
Genome position (GRCh38, 1-based): chr16:2,081,666, C>T. VCF-style: chr16-2081666-C-T. GRCh37 (hg19) VCF-style: chr16-2131667-C-T.
Other names: c.3682C>T (NM_000548.3); c.3550C>T, p.Leu1184= (NM_001077183.3, NM_001370404.1); c.3682C>T, p.Leu1228= (NM_001114382.3); c.3442C>T, p.Leu1148= (NM_001318827.2); c.3406C>T, p.Leu1136= (NM_001318829.2); c.2950C>T, p.Leu984= (NM_001318831.2); c.3583C>T, p.Leu1195= (NM_001318832.2); c.3553C>T, p.Leu1185= (NM_001363528.2, NM_001370405.1, NM_021055.3).
Identifiers: ClinVar variation 1598535 (VCV001598535.11), dbSNP rs938124834, ClinGen allele CA276750050.